The following is an entry in ClinVar:

NM_003254.3(TIMP1):c.519G>A (p.Gln173=)

Genes: SYN1 (synapsin I; minus strand), TIMP1 (TIMP metallopeptidase inhibitor 1; plus strand). Cytogenetic location: Xp11.3.
Variant type: single nucleotide variant.
Coding change: c.519G>A on transcript NM_003254.3 (MANE Select); coding-DNA position 519, G replaced by A.
Protein change: p.Gln173=; no amino-acid change (glutamine 173 retained).
Molecular consequence: synonymous variant. On other transcripts: intron variant (2).
Genome position (GRCh38, 1-based): chrX:47,586,586, G>A. VCF-style: chrX-47586586-G-A. GRCh37 (hg19) VCF-style: chrX-47445985-G-A.
Other names: c.775-9085C>T (NM_133499.2, NM_006950.3).
Identifiers: ClinVar variation 5039511 (VCV005039511.1).
Genomic context (GRCh38, chrX:47,586,586, plus strand): 5'-TCCCTGTTTATCCATCCCCTGCAAACTGCAGAGTGGCACTCATTGCTTGTGGACGGACCA[G>A]CTCCTCCAAGGCTCTGAAAAGGGCTTCCAGTCCCGTCACCTTGCCTGCCTGCCTCGGGAG-3'
Protein context (NP_003245.1, residues 163-183): QSGTHCLWTD[Gln173=]LLQGSEKGFQ

ClinVar aggregate classification (germline): Likely benign (1 of 4 stars; one submission).

gnomAD v4.1: 3 of 1,210,661 alleles (0.00025%); no homozygotes.

Submission:

CeGaT Center for Human Genetics Tuebingen
Classification: Likely benign. Last evaluated: 2026-07-01. Review status: criteria provided, single submitter. Criteria: CeGaT Center For Human Genetics Tuebingen Variant Classification Criteria Version 2. Collection method: clinical testing. Allele origin: germline. Affected: yes. Observed: 1 variant allele.
Comment: TIMP1: BP4, BP7